The following is an entry in ClinVar:

ClinVar aggregate classification (germline): Uncertain significance (1 of 4 stars; one submission).

Conditions:
Fanconi anemia complementation group O. Also called: RAD51C-Related Fanconi Anemia. Identifiers: Orphanet 84, MedGen C3150653, MONDO:0013248, OMIM 613390.

Submission:

Labcorp Genetics (formerly Invitae), Labcorp
Classification: Uncertain significance for Fanconi anemia complementation group O. Last evaluated: 2022-10-08. Review status: criteria provided, single submitter. Criteria: Invitae Variant Classification Sherloc (09022015). Collection method: clinical testing. Allele origin: germline.
Comment: In summary, the available evidence is currently insufficient to determine the role of this variant in disease. Therefore, it has been classified as a Variant of Uncertain Significance. Advanced modeling of protein sequence and biophysical properties (such as structural, functional, and spatial information, amino acid conservation, physicochemical variation, residue mobility, and thermodynamic stability) performed at Invitae indicates that this missense variant is expected to disrupt RAD51C protein function. This variant has not been reported in the literature in individuals affected with RAD51C-related conditions. This variant is not present in population databases (gnomAD no frequency). This sequence change replaces tryptophan, which is neutral and slightly polar, with arginine, which is basic and polar, at codon 305 of the RAD51C protein (p.Trp305Arg).

NM_058216.3(RAD51C):c.913T>C (p.Trp305Arg)

Gene: RAD51C (RAD51 paralog C; plus strand). Cytogenetic location: 17q22.
Variant type: single nucleotide variant.
Coding change: c.913T>C on transcript NM_058216.3 (MANE Select); coding-DNA position 913, T replaced by C.
Protein change: p.Trp305Arg; replaces tryptophan 305 with arginine.
Molecular consequence: missense variant. On other transcripts: non-coding transcript variant (1).
Genome position (GRCh38, 1-based): chr17:58,724,048, T>C. VCF-style: chr17-58724048-T-C. GRCh37 (hg19) VCF-style: chr17-56801409-T-C.
Other names: c.*341T>C (NM_058217.1); short protein forms W305R.
Identifiers: ClinVar variation 2102178 (VCV002102178.4), dbSNP rs2509344039, ClinGen allele CA400361310.